The following is an entry in ClinVar:

ClinVar aggregate classification (germline): Benign. Review status: criteria provided, single submitter (1 of 4 stars). 2 submissions from 2 submitters: Benign (1). 1 of the submissions does not count toward it. Last evaluated 2018-07-06.

Conditions:
PLXNB1-related disorder. Also called: PLXNB1-related condition.

Allele frequency attached by ClinVar (database versions not stated): gnomAD exomes 0.00023 and 0.00072; ExAC 0.00088; 1000 Genomes Project 30x 0.00234; 1000 Genomes Project 0.00240; gnomAD 0.00266 and 0.00285; TOPMed 0.00301; ESP Exome Variant Server 0.00369.

Submissions (2):

Labcorp Genetics (formerly Invitae), Labcorp
Classification: Benign. Last evaluated: 2018-07-06. Review status: criteria provided, single submitter. Criteria: Invitae Variant Classification Sherloc (09022015). Collection method: clinical testing. Allele origin: germline.

PreventionGenetics, part of Exact Sciences
Classification: Likely benign for PLXNB1-related condition. Last evaluated: 2019-02-22. Review status: no assertion criteria provided. Collection method: clinical testing. Allele origin: germline. Not counted in ClinVar's aggregate classification.
Comment: This variant is classified as likely benign based on ACMG/AMP sequence variant interpretation guidelines (Richards et al. 2015 PMID: 25741868, with internal and published modifications).

NM_001130082.3(PLXNB1):c.1845C>T (p.Gly615=)

Gene: PLXNB1 (plexin B1; minus strand). Cytogenetic location: 3p21.31.
Variant type: single nucleotide variant.
Coding change: c.1845C>T on transcript NM_001130082.3 (MANE Select); coding-DNA position 1845, C replaced by T.
Protein change: p.Gly615=; no amino-acid change (glycine 615 retained).
Molecular consequence: synonymous variant.
Genome position (GRCh38, 1-based): chr3:48,420,922, G>A on the plus strand (C>T on the coding strand, the complement: PLXNB1 is on the minus strand). VCF-style: chr3-48420922-G-A. GRCh37 (hg19) VCF-style: chr3-48462331-G-A.
Other names: c.1845C>T, p.Gly615= (NM_002673.6).
Identifiers: ClinVar variation 791242 (VCV000791242.5), dbSNP rs78756396, ClinGen allele CA2374984.